The following is an entry in ClinVar:

NM_005144.5(HR):c.1557-13G>A

Gene: HR (HR lysine demethylase and nuclear receptor corepressor; minus strand). Cytogenetic location: 8p21.3.
Variant type: single nucleotide variant.
Coding change: c.1557-13G>A on transcript NM_005144.5 (MANE Select); 13 bases into the intron before coding-DNA position 1557, G replaced by A.
Molecular consequence: intron variant.
Genome position (GRCh38, 1-based): chr8:22,125,517, C>T on the plus strand (G>A on the coding strand, the complement: HR is on the minus strand). VCF-style: chr8-22125517-C-T. GRCh37 (hg19) VCF-style: chr8-21983030-C-T.
Other names: c.1557-13G>A (NM_018411.4).
Identifiers: ClinVar variation 362513 (VCV000362513.36), dbSNP rs113141789, ClinGen allele CA4662418.
Genomic context (GRCh38, chr8:22,125,517, plus strand): 5'-TTGGTGGCTGTGTCTTCCTCCTGCTGCAGCTCCCCTCCCAGAGGCGATCTGGAGAGAGGG[C>T]AGGGGGAGGTGAGCAGGGAGCCCTGGCGAGGGGGCACTGGAGGTGTCCAGGGGCAATGGC-3'

ClinVar aggregate classification (germline): Benign/Likely benign. Review status: criteria provided, multiple submitters, no conflicts (2 of 4 stars). 5 submissions from 4 submitters: Benign (1); Likely benign (4). Last evaluated 2026-01-19.

Conditions:
Atrichia with papular lesions (APL). Also called: PAPULAR ATRICHIA. Identifiers: Orphanet 86819, MedGen C1859592, MONDO:0008847, OMIM 209500.
Alopecia universalis congenita (ALUNC). Also called: ATRICHIA, GENERALIZED. Identifiers: Orphanet 701, MedGen C1859877, MONDO:0008757, OMIM 203655.

Allele frequency attached by ClinVar (database versions not stated): gnomAD exomes 0.00169 and 0.00312; gnomAD 0.00205 and 0.00229; TOPMed 0.00209; ESP Exome Variant Server 0.00231; ExAC 0.00306; 1000 Genomes Project 30x 0.00344; 1000 Genomes Project 0.00379.
gnomAD v4.1: 2,925 of 1,613,142 alleles (0.18%); highest among the groups gnomAD compares: Middle Eastern, 1%; 35 homozygotes.

Submissions (5):

Labcorp Genetics (formerly Invitae), Labcorp
Classification: Benign. Last evaluated: 2026-01-19. Review status: criteria provided, single submitter. Criteria: Invitae Variant Classification Sherloc (09022015). Collection method: clinical testing. Allele origin: germline.

CeGaT Center for Human Genetics Tuebingen
Classification: Likely benign. Last evaluated: 2023-01-01. Review status: criteria provided, single submitter. Criteria: CeGaT Center For Human Genetics Tuebingen Variant Classification Criteria Version 2. Collection method: clinical testing. Allele origin: germline. Affected: yes. Observed: 1 variant allele.
Comment: HR: BS2

Illumina Laboratory Services, Illumina
Classification: Likely benign for Alopecia universalis congenita. Last evaluated: 2018-01-12. Review status: criteria provided, single submitter. Criteria: ICSL Variant Classification Criteria 13 December 2019. Collection method: clinical testing. Allele origin: germline.
Comment: This variant was observed in the ICSL laboratory as part of a predisposition screen in an ostensibly healthy population. It had not been previously curated by ICSL or reported in the Human Gene Mutation Database (HGMD: prior to June 1st, 2018), and was therefore a candidate for classification through an automated scoring system. Utilizing variant allele frequency, disease prevalence and penetrance estimates, and inheritance mode, an automated score was calculated to assess if this variant is too frequent to cause the disease. Based on the score and internal cut-off values, a variant classified as likely benign is not then subjected to further curation. The score for this variant resulted in a classification of likely benign for this disease.

Illumina Laboratory Services, Illumina
Classification: Likely benign for Atrichia with papular lesions. Last evaluated: 2018-01-12. Review status: criteria provided, single submitter. Criteria: ICSL Variant Classification Criteria 13 December 2019. Collection method: clinical testing. Allele origin: germline.
Comment: the same text as in the submission from Illumina Laboratory Services, Illumina above.

Breakthrough Genomics
Classification: Likely benign. Review status: criteria provided, single submitter. Criteria: ACMG Guidelines, 2015. Collection method: not provided. Allele origin: germline. Inheritance: Autosomal recessive inheritance. Affected: yes.